The following is an entry in ClinVar:

NM_004415.4(DSP):c.2152G>A (p.Ala718Thr)

Gene: DSP (desmoplakin; plus strand). Cytogenetic location: 6p24.3.
Variant type: single nucleotide variant.
Coding change: c.2152G>A on transcript NM_004415.4 (MANE Select); coding-DNA position 2152, G replaced by A.
Protein change: p.Ala718Thr; replaces alanine 718 with threonine.
Molecular consequence: missense variant.
Genome position (GRCh38, 1-based): chr6:7,574,107, G>A. VCF-style: chr6-7574107-G-A. GRCh37 (hg19) VCF-style: chr6-7574340-G-A.
Other names: c.2152G>A, p.Ala718Thr (NM_001008844.3, NM_001319034.2); short protein forms A718T.
Identifiers: ClinVar variation 3386640 (VCV003386640.1).

ClinVar aggregate classification (germline): Uncertain significance (1 of 4 stars; one submission).

Conditions:
Arrhythmogenic cardiomyopathy with wooly hair and keratoderma. Also called: Carvajal syndrome; PALMOPLANTAR KERATODERMA WITH LEFT VENTRICULAR CARDIOMYOPATHY AND WOOLLY HAIR; Dilated cardiomyopathy with woolly hair and keratoderma; Arrhythmogenic cardiomyopathy with woolly hair and keratoderma. Identifiers: Orphanet 65282, MedGen C1854063, MONDO:0011581, OMIM 605676.

Submission:

All of Us Research Program, National Institutes of Health
Classification: Uncertain significance for Arrhythmogenic cardiomyopathy with wooly hair and keratoderma. Last evaluated: 2024-07-20. Review status: criteria provided, single submitter. Criteria: ACMG Guidelines, 2015. Collection method: clinical testing. Allele origin: germline. Inheritance: Autosomal dominant inheritance. Observed: 1 variant allele, 1 heterozygote.
Comment: This missense variant replaces alanine with threonine at codon 718 of the DSP protein. Computational prediction suggests that this variant may not impact protein structure and function (internally defined REVEL score threshold <= 0.5, PMID: 27666373). To our knowledge, functional studies have not been reported for this variant. This variant has not been reported in individuals affected with DSP-related disorders in the literature. This variant has not been identified in the general population by the Genome Aggregation Database (gnomAD). The available evidence is insufficient to determine the role of this variant in disease conclusively. Therefore, this variant is classified as a Variant of Uncertain Significance.

This study involves interpretation of variants in research participants for the purpose of population health screening. Participant phenotype was not available at the time of variant classification. Additional details can be found in publication PMID: 35346344, PMCID: PMC8962531